The following is an entry in ClinVar:

ClinVar aggregate classification (germline): Conflicting classifications of pathogenicity. Review status: criteria provided, conflicting classifications (1 of 4 stars). 5 submissions from 5 submitters: Uncertain significance (1); Likely benign (3). 1 of the submissions does not count toward it. Last evaluated 2025-11-12.

Conditions:
Joubert syndrome. Also called: Familial aplasia of the vermis; JOUBERT-BOLTSHAUSER SYNDROME. Identifiers: Orphanet 475, MedGen C5979921, MONDO:0018772.
Meckel-Gruber syndrome. Also called: DYSENCEPHALIA SPLANCHNOCYSTICA; GRUBER SYNDROME; Dysencephalia splachnocystica. Identifiers: Orphanet 564, MedGen C0265215, MONDO:0018921.
MKS1-related disorder. Also called: MKS1-related condition; MKS1-related disorders. Identifiers: MedGen CN239382.

Allele frequency attached by ClinVar (database versions not stated): gnomAD 0.00002 and 0.00005; TOPMed 0.00002; gnomAD exomes 0.00003 and 0.00005; ExAC 0.00009.
gnomAD v4.1: 53 of 1,614,108 alleles (0.0033%); highest among the groups gnomAD compares: South Asian, 0.029%; no homozygotes.

Submissions (5):

Labcorp Genetics (formerly Invitae), Labcorp
Classification: Likely benign for Joubert syndrome; Meckel-Gruber syndrome. Last evaluated: 2025-11-12. Review status: criteria provided, single submitter. Criteria: Invitae Variant Classification Sherloc (09022015). Collection method: clinical testing. Allele origin: germline.

Blueprint Genetics
Classification: Likely benign. Last evaluated: 2024-11-22. Review status: criteria provided, single submitter. Criteria: ACMG Guidelines, 2015. Collection method: clinical testing. Allele origin: germline.

Genetic Services Laboratory, University of Chicago
Classification: Likely benign. Last evaluated: 2021-06-22. Review status: criteria provided, single submitter. Criteria: ACMG Guidelines, 2015. Collection method: clinical testing. Allele origin: germline. Affected: no.

Eurofins Ntd Llc (ga)
Classification: Uncertain significance. Last evaluated: 2017-08-15. Review status: criteria provided, single submitter. Criteria: EGL Classification Definitions 2015. Collection method: clinical testing. Allele origin: germline. Observed: 1 variant allele, 1 heterozygote.

PreventionGenetics, part of Exact Sciences
Classification: Likely benign for MKS1-related condition. Last evaluated: 2022-08-18. Review status: no assertion criteria provided. Collection method: clinical testing. Allele origin: germline. Not counted in ClinVar's aggregate classification.
Comment: This variant is classified as likely benign based on ACMG/AMP sequence variant interpretation guidelines (Richards et al. 2015 PMID: 25741868, with internal and published modifications).

NM_017777.4(MKS1):c.644+9C>T

Gene: MKS1 (MKS transition zone complex subunit 1; minus strand). Cytogenetic location: 17q22.
Variant type: single nucleotide variant.
Coding change: c.644+9C>T on transcript NM_017777.4 (MANE Select); 9 bases into the intron after coding-DNA position 644, C replaced by T.
Molecular consequence: intron variant.
Genome position (GRCh38, 1-based): chr17:58,214,250, G>A on the plus strand (C>T on the coding strand, the complement: MKS1 is on the minus strand). VCF-style: chr17-58214250-G-A. GRCh37 (hg19) VCF-style: chr17-56291611-G-A.
Other names: c.35+9C>T (NM_001321268.2); c.644+9C>T (NM_001330397.2, NM_001321269.2).
Identifiers: ClinVar variation 593665 (VCV000593665.22), dbSNP rs754404940, ClinGen allele CA8669456.